The following is an entry in ClinVar:

NM_016239.4(MYO15A):c.5473G>A (p.Val1825Met)

Gene: MYO15A (myosin XVA; plus strand). Cytogenetic location: 17p11.2.
Variant type: single nucleotide variant.
Coding change: c.5473G>A on transcript NM_016239.4 (MANE Select); coding-DNA position 5473, G replaced by A.
Protein change: p.Val1825Met; replaces valine 1825 with methionine.
Molecular consequence: missense variant.
Genome position (GRCh38, 1-based): chr17:18,141,085, G>A. VCF-style: chr17-18141085-G-A. GRCh37 (hg19) VCF-style: chr17-18044399-G-A.
Other names: short protein forms V1825M.
Identifiers: ClinVar variation 1482079 (VCV001482079.11), dbSNP rs368883957, ClinGen allele CA8424290.

ClinVar aggregate classification (germline): Conflicting classifications of pathogenicity. Review status: criteria provided, conflicting classifications (1 of 4 stars). 4 submissions from 4 submitters: Uncertain significance (3); Likely benign (1). Last evaluated 2025-04-01.

Conditions:
MYO15A-related disorder. Also called: MYO15A-related condition.
Autosomal recessive nonsyndromic hearing loss 3. Also called: NEUROSENSORY NONSYNDROMIC RECESSIVE DEAFNESS 3. Identifiers: Orphanet 90636, MedGen C1838263, MONDO:0010860, OMIM 600316.

Allele frequency attached by ClinVar (database versions not stated): ExAC 0.00007; gnomAD exomes 0.00008; TOPMed 0.00015; ESP Exome Variant Server 0.00016; 1000 Genomes Project 0.00020; 1000 Genomes Project 30x 0.00031.
gnomAD v4.1: 188 of 1,614,034 alleles (0.012%); highest among the groups gnomAD compares: African/African-American, 0.044%; no homozygotes.

Submissions (4):

PreventionGenetics, part of Exact Sciences
Classification: Uncertain significance for MYO15A-related condition. Last evaluated: 2025-04-01. Review status: criteria provided, single submitter. Criteria: ACMG Guidelines, 2015. Collection method: clinical testing. Allele origin: germline.
Comment: The MYO15A c.5473G>A variant is predicted to result in the amino acid substitution p.Val1825Met. This variant was reported in an individual with hearing loss, however two other compound heterozygous variants in MYO15A were also detected in this individual (Table 1, Morgan et al. 2021. PubMed ID: 35052694). This variant is reported in 0.054% of alleles in individuals of African descent in gnomAD. Although we suspect that this variant may be benign, at this time, the clinical significance of this variant is uncertain due to the absence of conclusive functional and genetic evidence.

Labcorp Genetics (formerly Invitae), Labcorp
Classification: Likely benign. Last evaluated: 2024-09-04. Review status: criteria provided, single submitter. Criteria: Invitae Variant Classification Sherloc (09022015). Collection method: clinical testing. Allele origin: germline.

Fulgent Genetics
Classification: Uncertain significance for Autosomal recessive nonsyndromic hearing loss 3. Last evaluated: 2021-07-02. Review status: criteria provided, single submitter. Criteria: ACMG Guidelines, 2015. Collection method: clinical testing. Allele origin: unknown.

Breakthrough Genomics
Classification: Uncertain significance. Review status: criteria provided, single submitter. Criteria: ACMG Guidelines, 2015. Collection method: not provided. Allele origin: germline. Inheritance: Autosomal recessive inheritance. Affected: yes.